The following is an entry in ClinVar:

ClinVar aggregate classification (germline): Likely benign. Review status: criteria provided, multiple submitters, no conflicts (2 of 4 stars). 3 submissions from 3 submitters: Likely benign (3). Last evaluated 2025-06-03.

Conditions:
TUB-related disorder. Also called: TUB-related condition.

Allele frequency attached by ClinVar (database versions not stated): gnomAD exomes below 0.00001 and 0.00002; gnomAD 0.00001; ExAC 0.00002; TOPMed 0.00003.
gnomAD v4.1: 27 of 1,613,664 alleles (0.0017%); highest among the groups gnomAD compares: South Asian, 0.0022%; no homozygotes.

Submissions (3):

PreventionGenetics, part of Exact Sciences
Classification: Likely benign for TUB-related condition. Last evaluated: 2025-06-03. Review status: criteria provided, single submitter. Criteria: ACMG Guidelines, 2015. Collection method: clinical testing. Allele origin: germline.
Comment: This variant is classified as likely benign based on ACMG/AMP sequence variant interpretation guidelines (Richards et al. 2015 PMID: 25741868, with internal and published modifications).

CeGaT Center for Human Genetics Tuebingen
Classification: Likely benign. Last evaluated: 2025-02-01. Review status: criteria provided, single submitter. Criteria: CeGaT Center For Human Genetics Tuebingen Variant Classification Criteria Version 2. Collection method: clinical testing. Allele origin: germline. Affected: yes. Observed: 1 variant allele.
Comment: TUB: BP4, BP7

Labcorp Genetics (formerly Invitae), Labcorp
Classification: Likely benign. Last evaluated: 2022-09-28. Review status: criteria provided, single submitter. Criteria: Invitae Variant Classification Sherloc (09022015). Collection method: clinical testing. Allele origin: germline.

NM_177972.3(TUB):c.900G>A (p.Ala300=)

Genes: RIC3 (RIC3 acetylcholine receptor chaperone; minus strand), TUB (TUB bipartite transcription factor; plus strand). Cytogenetic location: 11p15.4.
Variant type: single nucleotide variant.
Coding change: c.900G>A on transcript NM_177972.3 (MANE Select); coding-DNA position 900, G replaced by A.
Protein change: p.Ala300=; no amino-acid change (alanine 300 retained).
Molecular consequence: synonymous variant.
Genome position (GRCh38, 1-based): chr11:8,097,728, G>A. VCF-style: chr11-8097728-G-A. GRCh37 (hg19) VCF-style: chr11-8119275-G-A.
Other names: c.1065G>A, p.Ala355= (NM_003320.5); c.1065G>A (NM_003320.4).
Identifiers: ClinVar variation 1063920 (VCV001063920.17), dbSNP rs775002620, ClinGen allele CA5871274.